The following is an entry in ClinVar:

ClinVar aggregate classification (germline): Uncertain significance. Review status: criteria provided, multiple submitters, no conflicts (2 of 4 stars). 2 submissions from 2 submitters: Uncertain significance (2). Last evaluated 2024-06-03.

Conditions:
Floating-Harbor syndrome (FLHS). Also called: Short stature with delayed bone age, expressive language delay, a triangular face with a prominent nose and deep-set eyes; Pelletier-Leisti syndrome; SRCAP-Related Floating-Harbor Syndrome. Identifiers: Orphanet 2044, MedGen C0729582, MONDO:0007621, OMIM 136140.
Developmental delay, hypotonia, musculoskeletal defects, and behavioral abnormalities. Identifiers: MedGen C5562012, MONDO:0859202, OMIM 619595.

Submissions (2):

Fulgent Genetics
Classification: Uncertain significance for Floating-Harbor syndrome; Developmental delay, hypotonia, musculoskeletal defects, and behavioral abnormalities. Last evaluated: 2024-06-03. Review status: criteria provided, single submitter. Criteria: ACMG Guidelines, 2015. Collection method: clinical testing. Allele origin: germline.

Labcorp Genetics (formerly Invitae), Labcorp
Classification: Uncertain significance. Last evaluated: 2022-07-06. Review status: criteria provided, single submitter. Criteria: Invitae Variant Classification Sherloc (09022015). Collection method: clinical testing. Allele origin: germline.
Comment: In summary, the available evidence is currently insufficient to determine the role of this variant in disease. Therefore, it has been classified as a Variant of Uncertain Significance. Algorithms developed to predict the effect of missense changes on protein structure and function output the following: SIFT: "Deleterious"; PolyPhen-2: "Probably Damaging"; Align-GVGD: "Class C0". The asparagine amino acid residue is found in multiple mammalian species, which suggests that this missense change does not adversely affect protein function. ClinVar contains an entry for this variant (Variation ID: 1490318). This variant has not been reported in the literature in individuals affected with SRCAP-related conditions. This variant is not present in population databases (gnomAD no frequency). This sequence change replaces threonine, which is neutral and polar, with asparagine, which is neutral and polar, at codon 2406 of the SRCAP protein (p.Thr2406Asn).

NM_006662.3(SRCAP):c.7217C>A (p.Thr2406Asn)

Gene: SRCAP (Snf2 related CREBBP activator protein; plus strand). Cytogenetic location: 16p11.2.
Variant type: single nucleotide variant.
Coding change: c.7217C>A on transcript NM_006662.3 (MANE Select); coding-DNA position 7217, C replaced by A.
Protein change: p.Thr2406Asn; replaces threonine 2406 with asparagine.
Molecular consequence: missense variant.
Genome position (GRCh38, 1-based): chr16:30,737,257, C>A. VCF-style: chr16-30737257-C-A. GRCh37 (hg19) VCF-style: chr16-30748578-C-A.
Other names: short protein forms T2406N.
Identifiers: ClinVar variation 1490318 (VCV001490318.7), dbSNP rs2053169696, ClinGen allele CA395632362.